The following is an entry in ClinVar:

NM_001042492.3(NF1):c.5413A>G (p.Asn1805Asp)

Gene: NF1 (neurofibromin 1; plus strand). Cytogenetic location: 17q11.2.
Variant type: single nucleotide variant.
Coding change: c.5413A>G on transcript NM_001042492.3 (MANE Select); coding-DNA position 5413, A replaced by G.
Protein change: p.Asn1805Asp; replaces asparagine 1805 with aspartic acid.
Molecular consequence: missense variant.
Genome position (GRCh38, 1-based): chr17:31,327,643, A>G. VCF-style: chr17-31327643-A-G. GRCh37 (hg19) VCF-style: chr17-29654661-A-G.
Other names: c.5350A>G, p.Asn1784Asp (NM_000267.4); short protein forms N1784D, N1805D.
Identifiers: ClinVar variation 955071 (VCV000955071.9), dbSNP rs1287561681, ClinGen allele CA399009384.
Genomic context (GRCh38, chr17:31,327,643, plus strand): 5'-GCTTCGGAAATTGAAGAAATCTGCCTAGTAGATGAGAACCAGTTCACCTTAACCATTGCA[A>G]ACCAGGGCACGCCGCTCACCTTCATGCACCAGGAGTGTGAAGCCATTGTCCAGTCTATCA-3'
Protein context (NP_001035957.1, residues 1795-1815): DENQFTLTIA[Asn1805Asp]QGTPLTFMHQ

ClinVar aggregate classification (germline): Uncertain significance. Review status: criteria provided, multiple submitters, no conflicts (2 of 4 stars). 2 submissions from 2 submitters: Uncertain significance (2). Last evaluated 2022-04-29.

Conditions:
Cardiovascular phenotype. Identifiers: MedGen CN230736.
Hereditary cancer-predisposing syndrome. Also called: Hereditary neoplastic syndrome; Tumor predisposition; Neoplastic Syndromes, Hereditary; Hereditary Cancer Syndrome. Identifiers: Orphanet 140162, MedGen C0027672, MeSH D009386, MONDO:0015356.
Neurofibromatosis, type 1 (NF1). Also called: VON RECKLINGHAUSEN DISEASE; NEUROFIBROMATOSIS, TYPE I, SOMATIC; Peripheral type neurofibromatosis; Neurofibromatosis, type I. Identifiers: Orphanet 636, MedGen C0027831, MONDO:0018975, OMIM 162200. Disease mechanism: loss of function.

Allele frequency attached by ClinVar (database versions not stated): gnomAD exomes 0.00001.
gnomAD v4.1: 11 of 1,614,144 alleles (0.00068%); highest among the groups gnomAD compares: Non-Finnish European, 0.00093%; no homozygotes.

Submissions (2):

Labcorp Genetics (formerly Invitae), Labcorp
Classification: Uncertain significance for Neurofibromatosis, type 1. Last evaluated: 2022-04-29. Review status: criteria provided, single submitter. Criteria: Invitae Variant Classification Sherloc (09022015). Collection method: clinical testing. Allele origin: germline.
Comment: In summary, the available evidence is currently insufficient to determine the role of this variant in disease. Therefore, it has been classified as a Variant of Uncertain Significance. RNA analysis performed to evaluate the impact of this missense change on mRNA splicing indicates it does not significantly alter splicing (Invitae). Advanced modeling of protein sequence and biophysical properties (such as structural, functional, and spatial information, amino acid conservation, physicochemical variation, residue mobility, and thermodynamic stability) performed at Invitae indicates that this missense variant is expected to disrupt NF1 protein function. ClinVar contains an entry for this variant (Variation ID: 955071). This variant has not been reported in the literature in individuals affected with NF1-related conditions. This variant is not present in population databases (gnomAD no frequency). This sequence change replaces asparagine, which is neutral and polar, with aspartic acid, which is acidic and polar, at codon 1784 of the NF1 protein (p.Asn1784Asp).

Ambry Genetics
Classification: Uncertain significance for Cardiovascular phenotype; Hereditary cancer-predisposing syndrome. Last evaluated: 2022-01-21. Review status: criteria provided, single submitter. Criteria: Ambry Variant Classification Scheme 2023. Collection method: clinical testing. Allele origin: germline.
Comment: The p.N1784D variant (also known as c.5350A>G), located in coding exon 37 of the NF1 gene, results from an A to G substitution at nucleotide position 5350. The asparagine at codon 1784 is replaced by aspartic acid, an amino acid with highly similar properties. This amino acid position is conserved. In addition, the in silico prediction for this alteration is inconclusive. Since supporting evidence is limited at this time, the clinical significance of this alteration remains unclear.